The following is an entry in ClinVar:

NM_001105206.3(LAMA4):c.4475+83C>T

Gene: LAMA4 (laminin subunit alpha 4; minus strand). Cytogenetic location: 6q21.
Variant type: single nucleotide variant.
Coding change: c.4475+83C>T on transcript NM_001105206.3 (MANE Select); 83 bases into the intron after coding-DNA position 4475, C replaced by T.
Molecular consequence: intron variant.
Genome position (GRCh38, 1-based): chr6:112,121,931, G>A on the plus strand (C>T on the coding strand, the complement: LAMA4 is on the minus strand). VCF-style: chr6-112121931-G-A. GRCh37 (hg19) VCF-style: chr6-112443134-G-A.
Other names: c.4454+83C>T (NM_002290.5, NM_001105207.3).
Identifiers: ClinVar variation 671121 (VCV000671121.1), dbSNP rs4945897, ClinGen allele CA12246443.

ClinVar aggregate classification (germline): Benign (1 of 4 stars; one submission).

Allele frequency attached by ClinVar (database versions not stated): gnomAD exomes 0.74386; gnomAD 0.77247 and 0.77527; TOPMed 0.77719; 1000 Genomes Project 30x 0.83167; 1000 Genomes Project 0.83327.
gnomAD v4.1: 915,796 of 1,224,306 alleles (75%); highest among the groups gnomAD compares: East Asian, 88%; 345,115 homozygotes.

Submission:

GeneDx
Classification: Benign. Last evaluated: 2018-06-14. Review status: criteria provided, single submitter. Criteria: GeneDx Variant Classification (06012015). Collection method: clinical testing. Allele origin: germline. Affected: yes.
Comment: This variant is considered likely benign or benign based on one or more of the following criteria: it is a conservative change, it occurs at a poorly conserved position in the protein, it is predicted to be benign by multiple in silico algorithms, and/or has population frequency not consistent with disease.